The following is an entry in ClinVar:

NM_022489.4(INF2):c.578A>G (p.Tyr193Cys)

Gene: INF2 (inverted formin 2; plus strand). Cytogenetic location: 14q32.33.
Variant type: single nucleotide variant.
Coding change: c.578A>G on transcript NM_022489.4 (MANE Select); coding-DNA position 578, A replaced by G.
Protein change: p.Tyr193Cys; replaces tyrosine 193 with cysteine.
Molecular consequence: missense variant.
Genome position (GRCh38, 1-based): chr14:104,703,365, A>G. VCF-style: chr14-104703365-A-G. GRCh37 (hg19) VCF-style: chr14-105169702-A-G.
Other names: c.578A>G, p.Tyr193Cys (NM_001031714.4, NM_001426862.1, NM_001426863.1 and 6 more transcripts); short protein forms Y193C.
Identifiers: ClinVar variation 3068338 (VCV003068338.4), dbSNP rs2504243195, ClinGen allele CA391213309.

ClinVar aggregate classification (germline): Conflicting classifications of pathogenicity. Review status: criteria provided, conflicting classifications (1 of 4 stars). 4 submissions from 4 submitters: Likely pathogenic (2); Uncertain significance (2). Last evaluated 2026-05-28.

Conditions:
Focal segmental glomerulosclerosis 5 (FSGS5). Identifiers: Orphanet 656, MedGen C2750475, MONDO:0013191, OMIM 613237.
Charcot-Marie-Tooth disease dominant intermediate E. Also called: CHARCOT-MARIE-TOOTH NEUROPATHY WITH FOCAL SEGMENTAL GLOMERULONEPHRITIS. Identifiers: Orphanet 93114, MedGen C4302667, MONDO:0013758, OMIM 614455.

Submissions (4):

Victorian Clinical Genetics Services, Murdoch Childrens Research Institute
Classification: Likely pathogenic for Focal segmental glomerulosclerosis 5. Last evaluated: 2026-05-28. Review status: criteria provided, single submitter. Criteria: ACMG Guidelines, 2015. Collection method: clinical testing. Allele origin: germline. Affected: yes.
Comment: This variant is classified as Likely pathogenic. Evidence in support of pathogenic classification: Variant is absent from gnomAD (v2, v3 and v4); This variant has limited previous evidence of pathogenicity in unrelated individuals. This variant has been classified as a VUS and as likely pathogenic by clinical laboratories in ClinVar. In addition, this variant has been observed in a heterozygous state in family members with focal segmental glomerulosclerosis and classified as likely pathogenic (VKGL Nijmegen, personal communication); Another missense variant comparable to the one identified in this case has limited previous evidence for pathogenicity. The p.(Tyr193His) variant has been observed in the literature in an individual with focal segmental glomerulosclerosis (PMID: 21258034); Variant is located in a hotspot region or cluster of PATHOGENIC variants (DECIPHER). - Missense variant predicted to be damaging by in silico tool(s) or highly conserved with a major amino acid change. Additional information: Variant is predicted to result in a missense amino acid change from Tyr to Cys; This variant is heterozygous; This gene is associated with autosomal dominant disease; No published evidence of segregation with disease has been identified for this variant; No published functional evidence has been identified for this variant; The mechanism of disease for this gene is not clearly established. However, both loss of function and gain of function have been suggested (PMID: 32451589); The condition associated with this gene has incomplete penetrance (PMID: 32451589); Inheritance information for this variant is not currently available in this individual.

Labcorp Genetics (formerly Invitae), Labcorp
Classification: Uncertain significance for Charcot-Marie-Tooth disease dominant intermediate E; Focal segmental glomerulosclerosis 5. Last evaluated: 2025-10-09. Review status: criteria provided, single submitter. Criteria: Invitae Variant Classification Sherloc (09022015). Collection method: clinical testing. Allele origin: germline.
Comment: This sequence change replaces tyrosine, which is neutral and polar, with cysteine, which is neutral and slightly polar, at codon 193 of the INF2 protein (p.Tyr193Cys). This variant is not present in population databases (gnomAD no frequency). This variant has not been reported in the literature in individuals affected with INF2-related conditions. ClinVar contains an entry for this variant (Variation ID: 3068338). Invitae Evidence Modeling of protein sequence and biophysical properties (such as structural, functional, and spatial information, amino acid conservation, physicochemical variation, residue mobility, and thermodynamic stability) indicates that this missense variant is expected to disrupt INF2 protein function with a positive predictive value of 95%. In summary, the available evidence is currently insufficient to determine the role of this variant in disease. Therefore, it has been classified as a Variant of Uncertain Significance.

Fulgent Genetics
Classification: Uncertain significance for Focal segmental glomerulosclerosis 5; Charcot-Marie-Tooth disease dominant intermediate E. Last evaluated: 2024-02-14. Review status: criteria provided, single submitter. Criteria: ACMG Guidelines, 2015. Collection method: clinical testing. Allele origin: germline.

MVZ Medizinische Genetik Mainz
Classification: Likely pathogenic for Focal segmental glomerulosclerosis 5. Last evaluated: 2023-10-26. Review status: criteria provided, single submitter. Criteria: UK Practice Guidelines For Variant Classification V4 01 2020. Collection method: clinical testing. Allele origin: germline. Inheritance: Autosomal dominant inheritance. Affected: yes. Observed: 1 variant allele.
Comment: ACMG Criteria: PM1,PM2_SUP,PM5_SUP,PP2,PP3

Literature cited by the submitters: PubMed 21258034 (cited by Victorian Clinical Genetics Services, Murdoch Childrens Research Institute); PubMed 32451589 (cited by Victorian Clinical Genetics Services, Murdoch Childrens Research Institute).